The following is an entry in ClinVar:

NM_017649.5(CNNM2):c.2519C>T (p.Thr840Met)

Gene: CNNM2 (cyclin and CBS domain divalent metal cation transport mediator 2; plus strand). Cytogenetic location: 10q24.32.
Variant type: single nucleotide variant.
Coding change: c.2519C>T on transcript NM_017649.5 (MANE Select); coding-DNA position 2519, C replaced by T.
Protein change: p.Thr840Met; replaces threonine 840 with methionine.
Molecular consequence: missense variant.
Genome position (GRCh38, 1-based): chr10:103,077,071, C>T. VCF-style: chr10-103077071-C-T. GRCh37 (hg19) VCF-style: chr10-104836828-C-T.
Other names: c.2453C>T, p.Thr818Met (NM_199076.3); c.2519C>T (NM_017649.3); short protein forms T818M, T840M.
Identifiers: ClinVar variation 1904048 (VCV001904048.6), dbSNP rs374242727, ClinGen allele CA5670641.

ClinVar aggregate classification (germline): Uncertain significance. Review status: criteria provided, multiple submitters, no conflicts (2 of 4 stars). 2 submissions from 2 submitters: Uncertain significance (2). Last evaluated 2025-06-04.

Conditions:
Inborn genetic diseases. Identifiers: MedGen C0950123, MeSH D030342.

Allele frequency attached by ClinVar (database versions not stated): ExAC 0.00003; gnomAD exomes 0.00003; gnomAD 0.00004; ESP Exome Variant Server 0.00008; TOPMed 0.00008.
gnomAD v4.1: 53 of 1,613,824 alleles (0.0033%); highest among the groups gnomAD compares: East Asian, 0.013%; no homozygotes.

Submissions (2):

Labcorp Genetics (formerly Invitae), Labcorp
Classification: Uncertain significance. Last evaluated: 2025-06-04. Review status: criteria provided, single submitter. Criteria: Invitae Variant Classification Sherloc (09022015). Collection method: clinical testing. Allele origin: germline.
Comment: This sequence change replaces threonine, which is neutral and polar, with methionine, which is neutral and non-polar, at codon 840 of the CNNM2 protein (p.Thr840Met). This variant is present in population databases (rs374242727, gnomAD 0.04%). This variant has not been reported in the literature in individuals affected with CNNM2-related conditions. ClinVar contains an entry for this variant (Variation ID: 1904048). An algorithm developed to predict the effect of missense changes on protein structure and function (PolyPhen-2) suggests that this variant is likely to be tolerated. In summary, the available evidence is currently insufficient to determine the role of this variant in disease. Therefore, it has been classified as a Variant of Uncertain Significance.

Ambry Genetics
Classification: Uncertain significance for Inborn genetic diseases. Last evaluated: 2025-03-27. Review status: criteria provided, single submitter. Criteria: Ambry Variant Classification Scheme 2023. Collection method: clinical testing. Allele origin: germline.